The following is an entry in ClinVar:

NM_144999.4(LRRC45):c.1953G>C (p.Gln651His)

Gene: LRRC45 (leucine rich repeat containing 45; plus strand). Cytogenetic location: 17q25.3.
Variant type: single nucleotide variant.
Coding change: c.1953G>C on transcript NM_144999.4 (MANE Select); coding-DNA position 1953, G replaced by C.
Protein change: p.Gln651His; replaces glutamine 651 with histidine.
Molecular consequence: missense variant.
Genome position (GRCh38, 1-based): chr17:82,030,745, G>C. VCF-style: chr17-82030745-G-C. GRCh37 (hg19) VCF-style: chr17-79988621-G-C.
Other names: short protein forms Q651H.
Identifiers: ClinVar variation 5001172 (VCV005001172.1).
Genomic context (GRCh38, chr17:82,030,745, plus strand): 5'-CCGGGAGGCGGAGATCGCCCGCATCCGGGACGAGGAGGCCCAGAGGGCGAGCTTCCTGCA[G>C]AACGCCGTCCTGGCTTACGTGCAGGCGTCCCCCGTGAGGACCCTGAGCCCCCCAAAGTGA-3'
Protein context (NP_659436.1, residues 641-661): DEEAQRASFL[Gln651His]NAVLAYVQAS

ClinVar aggregate classification (germline): Uncertain significance (1 of 4 stars; one submission).

Conditions:
LRRC45-related disorder. Also called: LRRC45-related condition.

Submission:

PreventionGenetics, part of Exact Sciences
Classification: Uncertain significance for LRRC45-related condition. Last evaluated: 2025-05-07. Review status: criteria provided, single submitter. Criteria: ACMG Guidelines, 2015. Collection method: clinical testing. Allele origin: germline.
Comment: The LRRC45 c.1953G>C variant is predicted to result in the amino acid substitution p.Gln651His. To our knowledge, this variant has not been reported in the literature or in a large population database (gnomAD), indicating this variant is rare. At this time, the clinical significance of this variant is uncertain due to the absence of conclusive functional and genetic evidence.